The following is an entry in ClinVar:

NM_000709.4(BCKDHA):c.1100A>C (p.Tyr367Ser)

Gene: BCKDHA (branched chain keto acid dehydrogenase E1 subunit alpha; plus strand). Cytogenetic location: 19q13.2.
Variant type: single nucleotide variant.
Coding change: c.1100A>C on transcript NM_000709.4 (MANE Select); coding-DNA position 1100, A replaced by C.
Protein change: p.Tyr367Ser; replaces tyrosine 367 with serine.
Molecular consequence: missense variant.
Genome position (GRCh38, 1-based): chr19:41,423,102, A>C. VCF-style: chr19-41423102-A-C. GRCh37 (hg19) VCF-style: chr19-41929007-A-C.
Other names: c.1097A>C, p.Tyr366Ser (NM_001164783.2); short protein forms Y366S, Y367S.
Identifiers: ClinVar variation 1417810 (VCV001417810.3), dbSNP rs777794357, ClinGen allele CA9461370.
Genomic context (GRCh38, chr19:41,423,102, plus strand): 5'-CGGTGGATGAGGTCAATTACTGGGATAAACAGGACCACCCCATCTCCCGGCTGCGGCACT[A>C]TCTGCTGAGCCAAGGCTGGTGGGATGAGGAGCAGGAGAAGGCCTGGAGGAAGCAGTCCCG-3'
Protein context (NP_000700.1, residues 357-377): QDHPISRLRH[Tyr367Ser]LLSQGWWDEE

ClinVar aggregate classification (germline): Uncertain significance (1 of 4 stars; one submission).

Conditions:
Maple syrup urine disease (MSUD). Identifiers: Orphanet 511, MedGen C0024776, MeSH D008375, MONDO:0009563. Disease mechanism: loss of function.

Allele frequency attached by ClinVar (database versions not stated): gnomAD 0.00002; gnomAD exomes 0.00002 and 0.00004; TOPMed 0.00002.
gnomAD v4.1: 52 of 1,568,216 alleles (0.0033%); highest among the groups gnomAD compares: Non-Finnish European, 0.0044%; no homozygotes.

Submission:

Labcorp Genetics (formerly Invitae), Labcorp
Classification: Uncertain significance for Maple syrup urine disease. Last evaluated: 2021-11-13. Review status: criteria provided, single submitter. Criteria: Invitae Variant Classification Sherloc (09022015). Collection method: clinical testing. Allele origin: germline.
Comment: This sequence change replaces tyrosine, which is neutral and polar, with serine, which is neutral and polar, at codon 367 of the BCKDHA protein (p.Tyr367Ser). This variant is present in population databases (rs777794357, gnomAD 0.004%). This variant has not been reported in the literature in individuals affected with BCKDHA-related conditions. Advanced modeling of protein sequence and biophysical properties (such as structural, functional, and spatial information, amino acid conservation, physicochemical variation, residue mobility, and thermodynamic stability) performed at Invitae indicates that this missense variant is expected to disrupt BCKDHA protein function. In summary, the available evidence is currently insufficient to determine the role of this variant in disease. Therefore, it has been classified as a Variant of Uncertain Significance.